The following is an entry in ClinVar:

ClinVar aggregate classification (germline): Uncertain significance (1 of 4 stars; one submission).

Submission:

GeneDx
Classification: Uncertain significance. Last evaluated: 2023-06-16. Review status: criteria provided, single submitter. Criteria: GeneDx Variant Classification Process June 2021. Collection method: clinical testing. Allele origin: germline. Affected: yes.
Comment: Not observed at significant frequency in large population cohorts (gnomAD); In silico analysis supports a deleterious effect on splicing; Has not been previously published as pathogenic or benign to our knowledge

NM_015355.4(SUZ12):c.274+4_274+7del

Gene: SUZ12 (SUZ12 polycomb repressive complex 2 subunit; plus strand). Cytogenetic location: 17q11.2.
Variant type: Microsatellite.
Coding change: c.274+4_274+7del on transcript NM_015355.4 (MANE Select); bases 4 to 7 of the intron after coding-DNA position 274, 4 bases deleted (AGTG; older notation c.274+4_274+7delAGTG).
Molecular consequence: splice donor variant.
Genome position (GRCh38, 1-based): chr17:31,937,524-31,937,527, AGTG deleted; deleting any 4 consecutive bases within chr17:31,937,519-31,937,527 gives the same sequence; the c. name uses the placement nearest the transcript's 3' end. VCF-style (leftmost placement, unchanged base first): chr17-31937518-AGAGT-A. GRCh37 (hg19) VCF-style: chr17-30264537-AGAGT-A.
Other names: c.274+4_274+7del (NM_001321207.2).
Identifiers: ClinVar variation 3359590 (VCV003359590.1).